The following is an entry in ClinVar:

ClinVar aggregate classification (germline): Benign/Likely benign. Review status: criteria provided, multiple submitters, no conflicts (2 of 4 stars). 13 submissions from 13 submitters: Benign (3); Likely benign (10). Last evaluated 2026-09-01.

Conditions:
Connective tissue disorder. Also called: Connective tissue disease. Identifiers: MedGen C0009782, MONDO:0003900.
Familial thoracic aortic aneurysm and aortic dissection (TAAD). Also called: Thoracic aortic aneurysms and dissections. Identifiers: Orphanet 91387, MedGen C4707243, MONDO:0019625.
Aortic aneurysm, familial thoracic 4 (AAT4). Also called: AORTIC ANEURYSM/AORTIC DISSECTION AND PATENT DUCTUS ARTERIOSUS. Identifiers: MedGen C1851504, MONDO:0007568, OMIM 132900.

Allele frequency attached by ClinVar (database versions not stated): gnomAD exomes 0.00012 and 0.00018; ESP Exome Variant Server 0.00015; ExAC 0.00021; gnomAD 0.00028 and 0.00029; TOPMed 0.00039; 1000 Genomes Project 0.00100; 1000 Genomes Project 30x 0.00109.
gnomAD v4.1: 223 of 1,614,190 alleles (0.014%); highest among the groups gnomAD compares: Middle Eastern, 0.2%; 1 homozygote.

Submissions (13):

CeGaT Center for Human Genetics Tuebingen
Classification: Likely benign. Last evaluated: 2026-09-01. Review status: criteria provided, single submitter. Criteria: CeGaT Center For Human Genetics Tuebingen Variant Classification Criteria Version 2. Collection method: clinical testing. Allele origin: germline. Affected: yes. Observed: 4 variant alleles.
Comment: MYH11: BP4, BP7

Labcorp Genetics (formerly Invitae), Labcorp
Classification: Likely benign for Aortic aneurysm, familial thoracic 4. Last evaluated: 2026-01-26. Review status: criteria provided, single submitter. Criteria: Invitae Variant Classification Sherloc (09022015). Collection method: clinical testing. Allele origin: germline.

ARUP Laboratories, Molecular Genetics and Genomics, ARUP Laboratories
Classification: Likely benign. Last evaluated: 2025-04-28. Review status: criteria provided, single submitter. Criteria: ARUP Molecular Germline Variant Investigation Process 2024. Collection method: clinical testing. Allele origin: germline.

Molecular Diagnostic Laboratory for Inherited Cardiovascular Disease, Montreal Heart Institute
Classification: Benign. Last evaluated: 2025-04-09. Review status: criteria provided, single submitter. Criteria: ACMG Guidelines, 2015. Collection method: clinical testing. Allele origin: germline. Affected: no.

Mayo Clinic Laboratories, Mayo Clinic
Classification: Likely benign. Last evaluated: 2025-03-10. Review status: criteria provided, single submitter. Criteria: ACMG Guidelines, 2015. Collection method: clinical testing. Allele origin: germline. Observed: 1 variant allele.
Comment: BP4, BP7

Blueprint Genetics
Classification: Likely benign. Last evaluated: 2024-07-30. Review status: criteria provided, single submitter. Criteria: ACMG Guidelines, 2015. Collection method: clinical testing. Allele origin: germline.

All of Us Research Program, National Institutes of Health
Classification: Likely benign for Familial thoracic aortic aneurysm and aortic dissection. Last evaluated: 2024-02-05. Review status: criteria provided, single submitter. Criteria: ACMG Guidelines, 2015. Collection method: clinical testing. Allele origin: germline. Inheritance: Autosomal dominant inheritance. Observed: 55 variant alleles, 55 heterozygotes.
Comment: This study involves interpretation of variants in research participants for the purpose of population health screening. Participant phenotype was not available at the time of variant classification. Additional details can be found in publication PMID: 35346344, PMCID: PMC8962531

Women's Health and Genetics/Laboratory Corporation of America, LabCorp
Classification: Benign. Last evaluated: 2023-05-18. Review status: criteria provided, single submitter. Criteria: LabCorp Variant Classification Summary - May 2015. Collection method: clinical testing. Allele origin: germline.

Color Diagnostics, LLC DBA Color Health
Classification: Likely benign for Familial thoracic aortic aneurysm and aortic dissection. Last evaluated: 2018-10-30. Review status: criteria provided, single submitter. Criteria: ACMG Guidelines, 2015. Collection method: clinical testing. Allele origin: germline.

CHEO Genetics Diagnostic Laboratory, Children's Hospital of Eastern Ontario
Classification: Likely benign for Familial thoracic aortic aneurysm and aortic dissection. Last evaluated: 2017-08-18. Review status: criteria provided, single submitter. Criteria: ACMG Guidelines, 2015. Collection method: clinical testing. Allele origin: germline. Study: Canadian Open Genetics Repository.

Center for Human Genetics, Inc
Classification: Likely benign for Connective tissue disorder. Last evaluated: 2016-11-01. Review status: criteria provided, single submitter. Criteria: ACMG Guidelines, 2015. Collection method: clinical testing. Allele origin: germline. Affected: yes.

Ambry Genetics
Classification: Likely benign for Familial thoracic aortic aneurysm and aortic dissection. Last evaluated: 2015-07-12. Review status: criteria provided, single submitter. Criteria: Ambry Variant Classification Scheme 2023. Collection method: clinical testing. Allele origin: germline.

GeneDx
Classification: Benign. Last evaluated: 2014-05-27. Review status: criteria provided, single submitter. Criteria: GeneDx Variant Classification (06012015). Collection method: clinical testing. Allele origin: germline. Affected: yes.
Comment: This variant is considered likely benign or benign based on one or more of the following criteria: it is a conservative change, it occurs at a poorly conserved position in the protein, it is predicted to be benign by multiple in silico algorithms, and/or has population frequency not consistent with disease.

NM_002474.3(MYH11):c.1512C>T (p.Ile504=)

Gene: MYH11 (myosin heavy chain 11; minus strand). Cytogenetic location: 16p13.11.
Variant type: single nucleotide variant.
Coding change: c.1512C>T on transcript NM_002474.3 (MANE Select); coding-DNA position 1512, C replaced by T.
Protein change: p.Ile504=; no amino-acid change (isoleucine 504 retained).
Molecular consequence: synonymous variant.
Genome position (GRCh38, 1-based): chr16:15,757,890, G>A on the plus strand (C>T on the coding strand, the complement: MYH11 is on the minus strand). VCF-style: chr16-15757890-G-A. GRCh37 (hg19) VCF-style: chr16-15851747-G-A.
Other names: p.I504I:ATC>ATT; p.Ile511=; c.1533C>T, p.Ile511= (NM_001040113.2, NM_001040114.2); c.1512C>T, p.Ile504= (NM_022844.3).
Identifiers: ClinVar variation 138373 (VCV000138373.49), dbSNP rs149630866, ClinGen allele CA292371.
Genomic context (GRCh38, chr16:15,757,890, plus strand): 5'-TCGCTCGATGAGCTCGATGCAGGGCTGTAGGTCCAGCCCAAAGTCGATGAAGTTCCACTC[G>A]ATGCCCTCGCGCTGGTACTCCTCCTGCTCCAGGATGAACATGGTGTGGTTGAAGAGCTGC-3'
Protein context (NP_002465.1, residues 494-514): LEQEEYQREG[Ile504=]EWNFIDFGLD